The following is an entry in ClinVar:

ClinVar aggregate classification (germline): Benign/Likely benign. Review status: criteria provided, multiple submitters, no conflicts (2 of 4 stars). 3 submissions from 3 submitters: Benign (1); Likely benign (2). Last evaluated 2026-03-25.

Conditions:
Charcot-Marie-Tooth disease type 2. Also called: Charcot-Marie-Tooth type 2. Identifiers: Orphanet 64746, MedGen C0270914, MONDO:0018993.
Charcot-Marie-Tooth disease. Also called: Charcot-Marie-Tooth Neuropathy; Charcot-Marie-Tooth Hereditary Neuropathy. Identifiers: Orphanet 166, MedGen C0007959, MONDO:0015626.

Allele frequency attached by ClinVar (database versions not stated): ESP Exome Variant Server 0.00015; gnomAD 0.00044 and 0.00047; 1000 Genomes Project 30x 0.00031; 1000 Genomes Project 0.00040; TOPMed 0.00015; gnomAD exomes 0.00062; ExAC 0.00081.
gnomAD v4.1: 798 of 1,606,174 alleles (0.05%); highest among the groups gnomAD compares: Non-Finnish European, 0.047%; no homozygotes.

Submissions (3):

Women's Health and Genetics/Laboratory Corporation of America, LabCorp
Classification: Benign. Last evaluated: 2026-03-25. Review status: criteria provided, single submitter. Criteria: LabCorp Variant Classification Summary - May 2015. Collection method: clinical testing. Allele origin: germline.
Comment: Variant summary: MED25 c.689-3C>T alters a conserved nucleotide located close to a canonical splice site and therefore could affect mRNA splicing, leading to a significantly altered protein sequence. Consensus agreement among computation tools predict no significant impact on normal splicing. However, these predictions have yet to be confirmed by functional studies. The variant allele was found at a frequency of 0.00062 in 243000 control chromosomes, predominantly at a frequency of 0.0038 within the Finnish subpopulation in the gnomAD database. The observed variant frequency within Finnish control individuals in the gnomAD database exceeds the estimated maximal expected allele frequency for disease-causing variants in MED25. To our knowledge, no occurrence of c.689-3C>T in individuals affected with MED25-related conditions and no experimental evidence demonstrating its impact on protein function have been reported. ClinVar contains an entry for this variant (Variation ID: 476809). Based on the evidence outlined above, the variant was classified as benign.

Labcorp Genetics (formerly Invitae), Labcorp
Classification: Likely benign for Charcot-Marie-Tooth disease type 2. Last evaluated: 2026-01-05. Review status: criteria provided, single submitter. Criteria: Invitae Variant Classification Sherloc (09022015). Collection method: clinical testing. Allele origin: germline.

Molecular Genetics Laboratory, London Health Sciences Centre
Classification: Likely benign for Charcot-Marie-Tooth disease. Review status: criteria provided, single submitter. Criteria: ACMG Guidelines, 2015. Collection method: clinical testing. Allele origin: germline. Affected: yes.

NM_030973.4(MED25):c.689-3C>T

Gene: MED25 (mediator complex subunit 25; plus strand). Cytogenetic location: 19q13.33.
Variant type: single nucleotide variant.
Coding change: c.689-3C>T on transcript NM_030973.4 (MANE Select); 3 bases into the intron before coding-DNA position 689, C replaced by T.
Molecular consequence: intron variant.
Genome position (GRCh38, 1-based): chr19:49,830,085, C>T. VCF-style: chr19-49830085-C-T. GRCh37 (hg19) VCF-style: chr19-50333342-C-T.
Other names: c.689-3C>T (NM_001378355.1).
Identifiers: ClinVar variation 476809 (VCV000476809.14), dbSNP rs199623358, ClinGen allele CA9584984.